The following is an entry in ClinVar:

NM_015999.6(ADIPOR1):c.698A>G (p.Gln233Arg)

Gene: ADIPOR1 (adiponectin receptor 1; minus strand). Cytogenetic location: 1q32.1.
Variant type: single nucleotide variant.
Coding change: c.698A>G on transcript NM_015999.6 (MANE Select); coding-DNA position 698, A replaced by G.
Protein change: p.Gln233Arg; replaces glutamine 233 with arginine.
Molecular consequence: missense variant.
Genome position (GRCh38, 1-based): chr1:202,943,865, T>C on the plus strand (A>G on the coding strand, the complement: ADIPOR1 is on the minus strand). VCF-style: chr1-202943865-T-C. GRCh37 (hg19) VCF-style: chr1-202912993-T-C.
Other names: c.698A>G, p.Gln233Arg (NM_001290553.2, NM_001290557.1, NM_001290629.1); short protein forms Q233R.
Identifiers: ClinVar variation 1405597 (VCV001405597.9), dbSNP rs774498455, ClinGen allele CA1335913.

ClinVar aggregate classification (germline): Uncertain significance. Review status: criteria provided, multiple submitters, no conflicts (2 of 4 stars). 2 submissions from 2 submitters: Uncertain significance (2). Last evaluated 2024-08-26.

Allele frequency attached by ClinVar (database versions not stated): ExAC 0.00001; gnomAD 0.00001; gnomAD exomes 0.00002; TOPMed 0.00002.

Submissions (2):

Blueprint Genetics
Classification: Uncertain significance. Last evaluated: 2024-08-26. Review status: criteria provided, single submitter. Criteria: ACMG Guidelines, 2015. Collection method: clinical testing. Allele origin: germline.

Labcorp Genetics (formerly Invitae), Labcorp
Classification: Uncertain significance. Last evaluated: 2022-10-07. Review status: criteria provided, single submitter. Criteria: Invitae Variant Classification Sherloc (09022015). Collection method: clinical testing. Allele origin: germline.
Comment: In summary, the available evidence is currently insufficient to determine the role of this variant in disease. Therefore, it has been classified as a Variant of Uncertain Significance. This sequence change replaces glutamine, which is neutral and polar, with arginine, which is basic and polar, at codon 233 of the ADIPOR1 protein (p.Gln233Arg). This variant is present in population databases (rs774498455, gnomAD 0.004%). Algorithms developed to predict the effect of sequence changes on RNA splicing suggest that this variant may disrupt the consensus splice site. Algorithms developed to predict the effect of missense changes on protein structure and function are either unavailable or do not agree on the potential impact of this missense change (SIFT: "Deleterious"; PolyPhen-2: "Benign"; Align-GVGD: "Class C0"). ClinVar contains an entry for this variant (Variation ID: 1405597). This variant has not been reported in the literature in individuals affected with ADIPOR1-related conditions.